The following is an entry in ClinVar:

ClinVar aggregate classification (germline): Pathogenic (1 of 4 stars; one submission).

Conditions:
Spondylocostal dysostosis 5 (SCDO5). Also called: SCOLIOSIS, CONGENITAL, WITH OR WITHOUT RIB ANOMALIES. Identifiers: MedGen C4083048, MONDO:0007389, OMIM 122600.

Allele frequency attached by ClinVar (database versions not stated): gnomAD exomes below 0.00001.

Submission:

Lupski Lab, Baylor-Hopkins CMG, Baylor College of Medicine
Classification: Pathogenic for Spondylocostal dysostosis 5. Last evaluated: 2015-11-15. Review status: criteria provided, single submitter. Criteria: Wu et al. (N Engl J Med. 2015). Collection method: research. Allele origin: germline. Inheritance: Other. Affected: yes. Observed: 1 variant allele, 1 compound heterozygote.
Comment: The variant was found to be in trans with a high-risk TBX6 haplotype, T-C-A (rs2289292, rs3809624, rs3809627).

Literature cited by the submitters: PubMed 23335591.

NM_004608.4(TBX6):c.1179_1180del (p.Gly395fs)

Gene: TBX6 (T-box transcription factor 6; minus strand). Cytogenetic location: 16p11.2.
Variant type: Deletion.
Coding change: c.1179_1180del on transcript NM_004608.4 (MANE Select); coding-DNA positions 1179 to 1180, 2 bases deleted (AG; older notation c.1179_1180delAG).
Protein change: p.Gly395fs; shifts the reading frame from glycine 395.
Molecular consequence: frameshift variant.
Genome position (GRCh38, 1-based): chr16:30,086,356-30,086,357, CT deleted on the plus strand (AG on the coding strand, the reverse complement: TBX6 is on the minus strand). VCF-style (leftmost placement, unchanged base first): chr16-30086355-CCT-C. GRCh37 (hg19) VCF-style: chr16-30097676-CCT-C.
Other names: c.1179_1180delAG (NM_004608.3); short protein forms G395fs.
Identifiers: ClinVar variation 252362 (VCV000252362.1), dbSNP rs879253857, ClinGen allele CA10585887.
Genomic context (GRCh38, chr16:30,086,355, plus strand): 5'-CCTTGGAGAAAGTGCGGGGCAAAGGGTACCGCCGGTGGAGCCGCTGGGTACCCGGAGCCC[CCT>C]GACCCGTGCGGCAGCTCCAGAAATGCAGCCGAGTAGGGGGCTGAGCGCCCGGAGTCTGGA-3'